The following is an entry in ClinVar:

NM_001042492.3(NF1):c.3820C>G (p.Leu1274Val)

Gene: NF1 (neurofibromin 1; plus strand). Cytogenetic location: 17q11.2.
Variant type: single nucleotide variant.
Coding change: c.3820C>G on transcript NM_001042492.3 (MANE Select); coding-DNA position 3820, C replaced by G.
Protein change: p.Leu1274Val; replaces leucine 1274 with valine.
Molecular consequence: missense variant.
Genome position (GRCh38, 1-based): chr17:31,235,722, C>G. VCF-style: chr17-31235722-C-G. GRCh37 (hg19) VCF-style: chr17-29562740-C-G.
Other names: c.3820C>G, p.Leu1274Val (NM_000267.4); short protein forms L1274V.
Identifiers: ClinVar variation 3404795 (VCV003404795.1).
Genomic context (GRCh38, chr17:31,235,722, plus strand): 5'-TACCAACTGCTCTGGAACATGTTTTCTAAAGAAGTAGAATTGGCAGACTCCATGCAGACT[C>G]TCTTCCGAGGCAACAGCTTGGCCAGTAAAATAATGACATTCTGTTTCAAGGTTTGTATCA-3'
Protein context (NP_001035957.1, residues 1264-1284): EVELADSMQT[Leu1274Val]FRGNSLASKI

ClinVar aggregate classification (germline): Uncertain significance (1 of 4 stars; one submission).

Conditions:
Hereditary cancer-predisposing syndrome. Also called: Hereditary Cancer Syndrome; Tumor predisposition; Hereditary neoplastic syndrome; Neoplastic Syndromes, Hereditary. Identifiers: Orphanet 140162, MedGen C0027672, MeSH D009386, MONDO:0015356.
Cardiovascular phenotype. Identifiers: MedGen CN230736.

Submission:

Ambry Genetics
Classification: Uncertain significance for Cardiovascular phenotype; Hereditary cancer-predisposing syndrome. Last evaluated: 2024-10-29. Review status: criteria provided, single submitter. Criteria: Ambry Variant Classification Scheme 2023. Collection method: clinical testing. Allele origin: germline.
Comment: The p.L1274V variant (also known as c.3820C>G), located in coding exon 28 of the NF1 gene, results from a C to G substitution at nucleotide position 3820. The leucine at codon 1274 is replaced by valine, an amino acid with highly similar properties. This amino acid position is highly conserved in available vertebrate species. In addition, this alteration is predicted to be deleterious by in silico analysis. Based on the available evidence, the clinical significance of this variant remains unclear.